The following is an entry in ClinVar:

ClinVar aggregate classification (germline): Uncertain significance. Review status: criteria provided, multiple submitters, no conflicts (2 of 4 stars). 2 submissions from 2 submitters: Uncertain significance (2). Last evaluated 2026-06-26.

Submissions (2):

Women's Health and Genetics/Laboratory Corporation of America, LabCorp
Classification: Uncertain significance. Last evaluated: 2026-06-26. Review status: criteria provided, single submitter. Criteria: LabCorp Variant Classification Summary - May 2015. Collection method: clinical testing. Allele origin: germline.
Comment: Variant summary: RIC1 c.3071A>G (p.Asn1024Ser) results in a conservative amino acid change in the encoded protein sequence. Algorithms developed to predict the effect of missense changes on protein structure and function all suggest that this variant is likely to be tolerated. The variant was absent in 250892 control chromosomes. The available data on variant occurrences in the general population are insufficient to allow any conclusion about variant significance. To our knowledge, no occurrence of c.3071A>G in individuals affected with RIC1-related conditions and no experimental evidence demonstrating its impact on protein function have been reported. ClinVar contains an entry for this variant (Variation ID: 2237442). Based on the evidence outlined above, the variant was classified as uncertain significance.

Ambry Genetics
Classification: Uncertain significance. Last evaluated: 2021-07-14. Review status: criteria provided, single submitter. Criteria: Ambry Variant Classification Scheme 2023. Collection method: clinical testing. Allele origin: germline.

NM_020829.4(RIC1):c.3071A>G (p.Asn1024Ser)

Gene: RIC1 (RIC1 partner of RAB6A GEF complex; plus strand). Cytogenetic location: 9p24.1.
Variant type: single nucleotide variant.
Coding change: c.3071A>G on transcript NM_020829.4 (MANE Select); coding-DNA position 3071, A replaced by G.
Protein change: p.Asn1024Ser; replaces asparagine 1024 with serine.
Molecular consequence: missense variant.
Genome position (GRCh38, 1-based): chr9:5,765,732, A>G. VCF-style: chr9-5765732-A-G. GRCh37 (hg19) VCF-style: chr9-5765732-A-G.
Other names: c.3071A>G, p.Asn1024Ser (NM_001135920.4); c.2960A>G, p.Asn987Ser (NM_001206557.2); short protein forms N1024S, N987S.
Identifiers: ClinVar variation 2237442 (VCV002237442.3), dbSNP rs762264704, ClinGen allele CA372850893.